The following is an entry in ClinVar:

ClinVar aggregate classification (germline): Conflicting classifications of pathogenicity. Review status: criteria provided, conflicting classifications (1 of 4 stars). 2 submissions from 2 submitters: Uncertain significance (1); Likely benign (1). Last evaluated 2023-03-23.

Conditions:
Hereditary cancer-predisposing syndrome. Also called: Neoplastic Syndromes, Hereditary; Tumor predisposition; Hereditary Cancer Syndrome; Hereditary neoplastic syndrome. Identifiers: Orphanet 140162, MedGen C0027672, MeSH D009386, MONDO:0015356.

Allele frequency attached by ClinVar (database versions not stated): TOPMed below 0.00001.

Submissions (2):

University of Washington Department of Laboratory Medicine, University of Washington
Classification: Likely benign for Hereditary cancer-predisposing syndrome. Last evaluated: 2023-03-23. Review status: criteria provided, single submitter. Criteria: Dines et al. (Genet Med. 2020). Collection method: curation. Allele origin: germline.
Comment: Missense variant in a coldspot region where missense variants are very unlikely to be pathogenic (PMID:31911673).

BRCA1 coldspot (exon 11 using historical exon numbering). Reclassification based on statistical prior probability

Ambry Genetics
Classification: Uncertain significance for Hereditary cancer-predisposing syndrome. Last evaluated: 2022-03-23. Review status: criteria provided, single submitter. Criteria: Ambry Variant Classification Scheme 2023. Collection method: clinical testing. Allele origin: germline.
Comment: The p.N1272D variant (also known as c.3814A>G), located in coding exon 9 of the BRCA1 gene, results from an A to G substitution at nucleotide position 3814. The asparagine at codon 1272 is replaced by aspartic acid, an amino acid with highly similar properties. This amino acid position is not well conserved in available vertebrate species. In addition, this alteration is predicted to be tolerated by in silico analysis. Since supporting evidence is limited at this time, the clinical significance of this alteration remains unclear.

NM_007294.4(BRCA1):c.3814A>G (p.Asn1272Asp)

Genes: BRCA1 (BRCA1 DNA repair associated; minus strand), LOC126862571 (BRD4-independent group 4 enhancer GRCh37_chr17:41243136-41244335; plus strand). Cytogenetic location: 17q21.31.
Variant type: single nucleotide variant.
Coding change: c.3814A>G on transcript NM_007294.4 (MANE Select); coding-DNA position 3814, A replaced by G.
Protein change: p.Asn1272Asp; replaces asparagine 1272 with aspartic acid.
Molecular consequence: missense variant. On other transcripts: intron variant (135).
Genome position (GRCh38, 1-based): chr17:43,091,717, T>C on the plus strand (A>G on the coding strand, the complement: BRCA1 is on the minus strand). VCF-style: chr17-43091717-T-C. GRCh37 (hg19) VCF-style: chr17-41243734-T-C.
Other names: c.3691A>G, p.Asn1231Asp (NM_001407680.1, NM_001407681.1, NM_001407682.1 and 19 more transcripts); c.3814A>G, p.Asn1272Asp (NM_001407684.1, NM_001407854.1, NM_001407858.1 and 30 more transcripts); c.3688A>G, p.Asn1230Asp (NM_001407685.1, NM_001407686.1, NM_001407687.1 and 11 more transcripts); c.3673A>G, p.Asn1225Asp (NM_001407692.1, NM_001407694.1, NM_001407695.1 and 29 more transcripts); c.3670A>G, p.Asn1224Asp (NM_001407740.1, NM_001407741.1, NM_001407742.1 and 20 more transcripts); c.3601A>G, p.Asn1201Asp (NM_001407853.1, NM_001407894.1, NM_001407895.1 and 9 more transcripts); c.3811A>G, p.Asn1271Asp (NM_001407860.1, NM_001407861.1, NM_001407587.1 and 22 more transcripts); c.3613A>G, p.Asn1205Asp (NM_001407862.1); and 41 more; short protein forms N1145D, N1160D, N1183D, N1201D, N1231D, N404D, N1184D, N1202D.
Identifiers: ClinVar variation 1735186 (VCV001735186.4), dbSNP rs2053519047, ClinGen allele CA10594338.
Genomic context (GRCh38, chr17:43,091,717, plus strand): 5'-AACATTTTGTTTCCTCACTAAGGTGATGTTCCTGAGATGCCTTTGCCAATATTACCTGGT[T>C]ACTGCAGTCATTTAAGCTATTCTTCAATGATAATAAATTCTCCTCTGTGTTCTTAGACAG-3'
Protein context (NP_009225.1, residues 1262-1282): SLKNSLNDCS[Asn1272Asp]QVILAKASQE